The following is an entry in ClinVar:

ClinVar aggregate classification (germline): Uncertain significance (1 of 4 stars; one submission).

Conditions:
Arrhythmogenic right ventricular dysplasia 11. Also called: ARRHYTHMOGENIC RIGHT VENTRICULAR DYSPLASIA, FAMILIAL, 11; Arrhythmogenic Right Ventricular Dysplasia/Cardiomyopathy11; Arrhythmogenic right ventricular dysplasia 11 with mild palmoplantar keratoderma and woolly hair. Identifiers: MedGen C1864850, MONDO:0012506, OMIM 610476.

Submission:

Labcorp Genetics (formerly Invitae), Labcorp
Classification: Uncertain significance for Arrhythmogenic right ventricular dysplasia 11. Last evaluated: 2023-05-16. Review status: criteria provided, single submitter. Criteria: Invitae Variant Classification Sherloc (09022015). Collection method: clinical testing. Allele origin: germline.
Comment: In summary, the available evidence is currently insufficient to determine the role of this variant in disease. Therefore, it has been classified as a Variant of Uncertain Significance. Advanced modeling of protein sequence and biophysical properties (such as structural, functional, and spatial information, amino acid conservation, physicochemical variation, residue mobility, and thermodynamic stability) has been performed at Invitae for this missense variant, however the output from this modeling did not meet the statistical confidence thresholds required to predict the impact of this variant on DSC2 protein function. This variant has not been reported in the literature in individuals affected with DSC2-related conditions. This variant is not present in population databases (gnomAD no frequency). This sequence change replaces valine, which is neutral and non-polar, with alanine, which is neutral and non-polar, at codon 419 of the DSC2 protein (p.Val419Ala).

NM_024422.6(DSC2):c.1256T>C (p.Val419Ala)

Gene: DSC2 (desmocollin 2; minus strand). Cytogenetic location: 18q12.1.
Variant type: single nucleotide variant.
Coding change: c.1256T>C on transcript NM_024422.6 (MANE Select); coding-DNA position 1256, T replaced by C.
Protein change: p.Val419Ala; replaces valine 419 with alanine.
Molecular consequence: missense variant.
Genome position (GRCh38, 1-based): chr18:31,082,245, A>G on the plus strand (T>C on the coding strand, the complement: DSC2 is on the minus strand). VCF-style: chr18-31082245-A-G. GRCh37 (hg19) VCF-style: chr18-28662211-A-G.
Other names: c.827T>C, p.Val276Ala (NM_001406506.1, NM_001406507.1); c.1256T>C, p.Val419Ala (NM_004949.5); short protein forms V276A, V419A.
Identifiers: ClinVar variation 2864902 (VCV002864902.3), dbSNP rs2510948225, ClinGen allele CA402109455.
Genomic context (GRCh38, chr18:31,082,245, plus strand): 5'-CATGCTATTCTATGATATTATAAACTACAAATAATGTTCTAATTTATTCTTACCTTAACT[A>G]CACAAAGAACTCCTTCATTGGTTTTGGCATCTGTTACAATTTTAAAATTGCCATTTTCAT-3'
Protein context (NP_077740.1, residues 409-429): DAKTNEGVLC[Val419Ala]VKPLNYEEKQ